The following is an entry in ClinVar:

ClinVar aggregate classification (germline): Conflicting classifications of pathogenicity. Review status: criteria provided, conflicting classifications (1 of 4 stars). 4 submissions from 4 submitters: Likely pathogenic (1); Uncertain significance (2); Likely benign (1). Last evaluated 2025-09-18.

Conditions:
Intellectual developmental disorder, autosomal dominant 43. Also called: Intellectual disability, autosomal dominant 43. Identifiers: MedGen C4707429, MONDO:0014858, OMIM 616977.

Allele frequency attached by ClinVar (database versions not stated): gnomAD exomes below 0.00001; TOPMed below 0.00001.

Submissions (4):

GeneDx
Classification: Uncertain significance. Last evaluated: 2025-09-18. Review status: criteria provided, single submitter. Criteria: GeneDx Variant Classification Process June 2021. Collection method: clinical testing. Allele origin: germline. Affected: yes.
Comment: In silico analysis supports that this missense variant has a deleterious effect on protein structure/function; This variant is associated with the following publications: (PMID: 31487502)

Labcorp Genetics (formerly Invitae), Labcorp
Classification: Likely pathogenic. Last evaluated: 2025-06-17. Review status: criteria provided, single submitter. Criteria: Invitae Variant Classification Sherloc (09022015). Collection method: clinical testing. Allele origin: germline.
Comment: This sequence change replaces glutamic acid, which is acidic and polar, with lysine, which is basic and polar, at codon 895 of the HIVEP2 protein (p.Glu895Lys). This variant is not present in population databases (gnomAD no frequency). This missense change has been observed in individual(s) with HIVEP2-related conditions (PMID: 31487502). In at least one individual the variant was observed to be de novo. ClinVar contains an entry for this variant (Variation ID: 932595). Invitae Evidence Modeling of protein sequence and biophysical properties (such as structural, functional, and spatial information, amino acid conservation, physicochemical variation, residue mobility, and thermodynamic stability) indicates that this missense variant is expected to disrupt HIVEP2 protein function with a positive predictive value of 80%. In summary, the currently available evidence indicates that the variant is pathogenic, but additional data are needed to prove that conclusively. Therefore, this variant has been classified as Likely Pathogenic.

CeGaT Center for Human Genetics Tuebingen
Classification: Likely benign. Last evaluated: 2024-09-01. Review status: criteria provided, single submitter. Criteria: CeGaT Center For Human Genetics Tuebingen Variant Classification Criteria Version 2. Collection method: clinical testing. Allele origin: germline. Affected: yes. Observed: 4 variant alleles.
Comment: HIVEP2: PS2:Moderate, PS4:Supporting, BS2

3billion
Classification: Uncertain significance for Intellectual developmental disorder, autosomal dominant 43. Last evaluated: 2024-08-01. Review status: criteria provided, single submitter. Criteria: ACMG Guidelines, 2015. Collection method: clinical testing. Allele origin: germline. Affected: yes.
Comment: The variant is observed at an extremely low frequency in the gnomAD v4.0.0 dataset (total allele frequency: <0.001%). Predicted Consequence/Location: The majority of the known disease-causing variants of this gene are variants expected to result in premature termination of the protein. In silico tool predictions suggest no damaging effect of the variant on gene or gene product [REVEL: 0.32 (<0.4); 3Cnet: 0.00 (<0.15, specificity 0.78 and negative predictive value 0.92)]. The same nucleotide change resulting in the same amino acid change has been previously reported to be associated with HIVEP2 related disorder (PMID: 31487502). The variant has been previously reported as assumed (i.e. paternity and maternity not confirmed) de novo in at least one similarly affected unrelated individual (PMID: 31487502). However, the evidence of pathogenicity is insufficient at this time. Therefore, this variant is classified as VUS according to the recommendation of ACMG/AMP guideline.

Literature cited by the submitters: PubMed 31487502 (cited by Labcorp Genetics (formerly Invitae), Labcorp and 3billion).

NM_006734.4(HIVEP2):c.2683G>A (p.Glu895Lys)

Gene: HIVEP2 (HIVEP zinc finger 2; minus strand). Cytogenetic location: 6q24.2.
Variant type: single nucleotide variant.
Coding change: c.2683G>A on transcript NM_006734.4 (MANE Select); coding-DNA position 2683, G replaced by A.
Protein change: p.Glu895Lys; replaces glutamic acid 895 with lysine.
Molecular consequence: missense variant.
Genome position (GRCh38, 1-based): chr6:142,772,056, C>T on the plus strand (G>A on the coding strand, the complement: HIVEP2 is on the minus strand). VCF-style: chr6-142772056-C-T. GRCh37 (hg19) VCF-style: chr6-143093193-C-T.
Other names: short protein forms E895K.
Identifiers: ClinVar variation 932595 (VCV000932595.46), dbSNP rs1775559365, ClinGen allele CA365908343.